The following is an entry in ClinVar:

NM_014795.4(ZEB2):c.1700_1703dup (p.Asp568_Asp569insTer)

Gene: ZEB2 (zinc finger E-box binding homeobox 2; minus strand). Cytogenetic location: 2q22.3.
Variant type: Duplication.
Coding change: c.1700_1703dup on transcript NM_014795.4 (MANE Select); coding-DNA positions 1700 to 1703, 4 bases duplicated (CTGA; older notation c.1700_1703dupCTGA).
Protein change: p.Asp568_Asp569insTer.
Molecular consequence: nonsense, inframe insertion.
Genome position (GRCh38, 1-based): chr2:144,399,484-144,399,487, TCAG duplicated on the plus strand (CTGA on the coding strand, the reverse complement: ZEB2 is on the minus strand); duplicating any 4 consecutive bases within chr2:144,399,484-144,399,488 gives the same sequence; the c. name uses the placement nearest the transcript's 3' end. VCF-style (leftmost placement, unchanged base first): chr2-144399483-A-ATCAG. GRCh37 (hg19) VCF-style: chr2-145157050-A-ATCAG.
Other names: c.1628_1631dup, p.Asp544_Asp545insTer (NM_001171653.2).
Identifiers: ClinVar variation 1367594 (VCV001367594.7), dbSNP rs2149877112, ClinGen allele CA2573133281.
Genomic context (GRCh38, chr2:144,399,483, plus strand): 5'-TTCTTTACAGAACTGGCATGAAAATGGAGTGGATATGTTGTGGTTCTCAATCATTTTGTC[A>ATCAG]TCAGTGACCAAATCTATTAAAGTACGTAGCTTCTCTTTCTTTATATTACTGATCTGTCTC-3'

ClinVar aggregate classification (germline): Pathogenic. Review status: criteria provided, multiple submitters, no conflicts (2 of 4 stars). 2 submissions from 2 submitters: Pathogenic (2). Last evaluated 2021-02-08.

Conditions:
ZEB2-related disorder. Also called: ZEB2-related condition.
Mowat-Wilson syndrome (MOWS). Also called: Classic Mowat-Wilson Syndrome. Identifiers: Orphanet 2152, MedGen C1856113, MONDO:0009341, OMIM 235730.

Submissions (2):

Blueprint Genetics
Classification: Pathogenic for ZEB2-related disorders. Last evaluated: 2021-02-08. Review status: criteria provided, single submitter. Criteria: ACMG Guidelines, 2015. Collection method: clinical testing. Allele origin: de novo. Affected: yes. Observed: 1 variant allele.

Labcorp Genetics (formerly Invitae), Labcorp
Classification: Pathogenic for Mowat-Wilson syndrome. Last evaluated: 2020-12-24. Review status: criteria provided, single submitter. Criteria: Invitae Variant Classification Sherloc (09022015). Collection method: clinical testing. Allele origin: germline.
Comment: For these reasons, this variant has been classified as Pathogenic. This variant has not been reported in the literature in individuals with ZEB2-related conditions. This variant is not present in population databases (ExAC no frequency). This sequence change creates a premature translational stop signal (p.Asp569*) in the ZEB2 gene. It is expected to result in an absent or disrupted protein product. Loss-of-function variants in ZEB2 are known to be pathogenic (PMID: 16053902).

Literature cited by the submitters: PubMed 16053902 (cited by Labcorp Genetics (formerly Invitae), Labcorp).